The following is an entry in ClinVar:

ClinVar aggregate classification (germline): Conflicting classifications of pathogenicity. Review status: criteria provided, conflicting classifications (1 of 4 stars). 4 submissions from 4 submitters: Uncertain significance (2); Likely benign (2). Last evaluated 2025-12-21.

Conditions:
Macrothrombocytopenia and granulocyte inclusions with or without nephritis or sensorineural hearing loss (MATINS). Also called: BLEEDING DISORDER, PLATELET-TYPE, 6; DOHLE LEUKOCYTE INCLUSIONS WITH GIANT PLATELETS; SEBASTIAN PLATELET SYNDROME; MACROTHROMBOCYTOPENIA WITH DISPERSED LEUKOCYTIC INCLUSIONS; MACROTHROMBOCYTOPENIA, NEPHRITIS, AND DEAFNESS; MACROTHROMBOCYTOPENIA, NEPHRITIS, DEAFNESS, AND LEUKOCYTE INCLUSIONS. Identifiers: Orphanet 182050, MedGen C5200934, MONDO:0015912, OMIM 155100.
Autosomal dominant nonsyndromic hearing loss 17. Also called: Autosomal dominant nonsyndromic deafness 17; Deafness, autosomal dominant 17. Identifiers: Orphanet 90635, MedGen C1863659, MONDO:0011350, OMIM 603622.

Allele frequency attached by ClinVar (database versions not stated): gnomAD 0.00003; TOPMed 0.00004; ESP Exome Variant Server 0.00008; gnomAD exomes 0.00012; ExAC 0.00016.
gnomAD v4.1: 208 of 1,614,124 alleles (0.013%); highest among the groups gnomAD compares: Non-Finnish European, 0.017%; no homozygotes.

Submissions (4):

Labcorp Genetics (formerly Invitae), Labcorp
Classification: Likely benign. Last evaluated: 2025-12-21. Review status: criteria provided, single submitter. Criteria: Invitae Variant Classification Sherloc (09022015). Collection method: clinical testing. Allele origin: germline.

Blueprint Genetics
Classification: Likely benign. Last evaluated: 2024-07-03. Review status: criteria provided, single submitter. Criteria: ACMG Guidelines, 2015. Collection method: clinical testing. Allele origin: germline.

Fulgent Genetics
Classification: Uncertain significance for Macrothrombocytopenia and granulocyte inclusions with or without nephritis or sensorineural hearing loss; Autosomal dominant nonsyndromic hearing loss 17. Last evaluated: 2018-10-31. Review status: criteria provided, single submitter. Criteria: ACMG Guidelines, 2015. Collection method: clinical testing. Allele origin: unknown.

Laboratory for Molecular Medicine, Mass General Brigham Personalized Medicine
Classification: Uncertain significance. Last evaluated: 2016-06-20. Review status: criteria provided, single submitter. Criteria: LMM Criteria. Collection method: clinical testing. Allele origin: germline. Observed: 1 variant allele.
Comment: The p.Val65Met variant in MYH9 has been previously reported in 1 individual with hearing loss (Vona 2014), but it has also been identified in 19/66730 European chromosomes by the Exome Aggregation Consortium (ExAC; dbSNP rs377348805). Computational prediction tools and conservation analy ses suggest that this variant may not impact the protein, though this informatio n is not predictive enough to rule out pathogenicity. In summary, the clinical s ignificance of the p.Val65Met variant is uncertain.

Literature cited by the submitters: PubMed 24875298 (cited by Laboratory for Molecular Medicine, Mass General Brigham Personalized Medicine).

NM_002473.6(MYH9):c.193G>A (p.Val65Met)

Gene: MYH9 (myosin heavy chain 9; minus strand). Cytogenetic location: 22q12.3.
Variant type: single nucleotide variant.
Coding change: c.193G>A on transcript NM_002473.6 (MANE Select); coding-DNA position 193, G replaced by A.
Protein change: p.Val65Met; replaces valine 65 with methionine.
Molecular consequence: missense variant.
Genome position (GRCh38, 1-based): chr22:36,349,044, C>T on the plus strand (G>A on the coding strand, the complement: MYH9 is on the minus strand). VCF-style: chr22-36349044-C-T. GRCh37 (hg19) VCF-style: chr22-36745089-C-T.
Other names: short protein forms V65M.
Identifiers: ClinVar variation 504626 (VCV000504626.11), dbSNP rs377348805, ClinGen allele CA10210705.